The following is an entry in ClinVar:

ClinVar aggregate classification (germline): Uncertain significance (1 of 4 stars; one submission).

Allele frequency attached by ClinVar (database versions not stated): TOPMed 0.00001.
gnomAD v4.1: 6 of 1,614,024 alleles (0.00037%); highest among the groups gnomAD compares: Non-Finnish European, 0.00051%; no homozygotes.

Submission:

Labcorp Genetics (formerly Invitae), Labcorp
Classification: Uncertain significance. Last evaluated: 2024-03-02. Review status: criteria provided, single submitter. Criteria: Invitae Variant Classification Sherloc (09022015). Collection method: clinical testing. Allele origin: germline.
Comment: This sequence change replaces threonine, which is neutral and polar, with isoleucine, which is neutral and non-polar, at codon 811 of the VCAN protein (p.Thr811Ile). This variant is not present in population databases (gnomAD no frequency). This variant has not been reported in the literature in individuals affected with VCAN-related conditions. ClinVar contains an entry for this variant (Variation ID: 1913470). Algorithms developed to predict the effect of missense changes on protein structure and function output the following: SIFT: "Not Available"; PolyPhen-2: "Benign"; Align-GVGD: "Not Available". The isoleucine amino acid residue is found in multiple mammalian species, which suggests that this missense change does not adversely affect protein function. In summary, the available evidence is currently insufficient to determine the role of this variant in disease. Therefore, it has been classified as a Variant of Uncertain Significance.

NM_004385.5(VCAN):c.2432C>T (p.Thr811Ile)

Gene: VCAN (versican; plus strand). Cytogenetic location: 5q14.3.
Variant type: single nucleotide variant.
Coding change: c.2432C>T on transcript NM_004385.5 (MANE Select); coding-DNA position 2432, C replaced by T.
Protein change: p.Thr811Ile; replaces threonine 811 with isoleucine.
Molecular consequence: missense variant. On other transcripts: intron variant (2).
Genome position (GRCh38, 1-based): chr5:83,520,738, C>T. VCF-style: chr5-83520738-C-T. GRCh37 (hg19) VCF-style: chr5-82816557-C-T.
Other names: c.2432C>T, p.Thr811Ile (NM_001164098.2); c.1042+8342C>T (NM_001164097.2, NM_001126336.3); short protein forms T811I.
Identifiers: ClinVar variation 1913470 (VCV001913470.5), dbSNP rs1271774961, ClinGen allele CA360303926.